The following is an entry in ClinVar:

NM_000059.4(BRCA2):c.2835del (p.Asp946fs)

Gene: BRCA2 (BRCA2 DNA repair associated; plus strand). Cytogenetic location: 13q13.1.
Variant type: Deletion.
Coding change: c.2835del on transcript NM_000059.4 (MANE Select); coding-DNA position 2835, one base deleted (A; older notation c.2835delA).
Protein change: p.Asp946fs; shifts the reading frame from aspartic acid 946.
Molecular consequence: frameshift variant.
Genome position (GRCh38, 1-based): chr13:32,337,190, A deleted; the last of 6 consecutive A bases (chr13:32,337,185-32,337,190); deleting any one gives the same sequence. VCF-style (leftmost placement, unchanged base first): chr13-32337184-TA-T. GRCh37 (hg19) VCF-style: chr13-32911321-TA-T.
Other names: 3063delA; c.2835delA (NM_000059.3).
Identifiers: ClinVar variation 55792 (VCV000055792.14), dbSNP rs80359356, ClinGen allele CA016557.
Genomic context (GRCh38, chr13:32,337,184, plus strand): 5'-GAACTCTACCATGGTTTTATATGGAGACACAGGTGATAAACAAGCAACCCAAGTGTCAAT[TA>T]AAAAAGATTTGGTTTATGTTCTTGCAGAGGAGAACAAAAATAGTGTAAAGCAGCATATAA-3'

ClinVar aggregate classification (germline): Pathogenic. Review status: reviewed by expert panel (3 of 4 stars). 4 submissions from 4 submitters: Pathogenic (1). 3 of the submissions do not count toward it. Last evaluated 2016-10-18.

Conditions:
Hereditary cancer-predisposing syndrome. Also called: Neoplastic Syndromes, Hereditary; Tumor predisposition; Hereditary neoplastic syndrome; Hereditary Cancer Syndrome. Identifiers: Orphanet 140162, MedGen C0027672, MeSH D009386, MONDO:0015356.
Hereditary breast ovarian cancer syndrome. Also called: Hereditary breast and ovarian cancer syndrome; Hereditary breast and ovarian cancer; Hereditary breast and ovarian cancer syndrome (HBOC); Breast and ovarian cancer; Hereditary breast and/or ovarian cancer syndrome; BRCA1- and BRCA2-Associated Hereditary Breast and Ovarian Cancer. Identifiers: Orphanet 145, MedGen C0677776, MeSH D061325, MONDO:0003582. Disease mechanism: loss of function.
Breast-ovarian cancer, familial, susceptibility to, 2 (BROVCA2). Also called: BRCA2 Hereditary Breast and Ovarian Cancer. Identifiers: Orphanet 145, MedGen C2675520, MONDO:0012933, OMIM 612555. Disease mechanism: loss of function.

Submissions (4):

Evidence-based Network for the Interpretation of Germline Mutant Alleles (ENIGMA)
Classification: Pathogenic for Breast-ovarian cancer, familial, susceptibility to, 2. Last evaluated: 2016-10-18. Review status: reviewed by expert panel. Criteria: ENIGMA BRCA1/2 Classification Criteria (2015). Collection method: curation. Allele origin: germline.
Comment: Variant allele predicted to encode a truncated non-functional protein.

Labcorp Genetics (formerly Invitae), Labcorp
Classification: Pathogenic for Hereditary breast ovarian cancer syndrome. Last evaluated: 2024-01-30. Review status: criteria provided, single submitter. Criteria: Invitae Variant Classification Sherloc (09022015). Collection method: clinical testing. Allele origin: germline. Not counted in ClinVar's aggregate classification.
Comment: This sequence change creates a premature translational stop signal (p.Asp946Ilefs*14) in the BRCA2 gene. It is expected to result in an absent or disrupted protein product. Loss-of-function variants in BRCA2 are known to be pathogenic (PMID: 20104584). This variant is not present in population databases (gnomAD no frequency). This premature translational stop signal has been observed in individual(s) with early-onset breast cancer (PMID: 31528241, 32868316). ClinVar contains an entry for this variant (Variation ID: 55792). For these reasons, this variant has been classified as Pathogenic.

Ambry Genetics
Classification: Pathogenic for Hereditary cancer-predisposing syndrome. Last evaluated: 2023-08-26. Review status: criteria provided, single submitter. Criteria: Ambry Variant Classification Scheme 2023. Collection method: clinical testing. Allele origin: germline. Not counted in ClinVar's aggregate classification.
Comment: The c.2835delA pathogenic mutation, located in coding exon 10 of the BRCA2 gene, results from a deletion of one nucleotide at nucleotide position 2835, causing a translational frameshift with a predicted alternate stop codon (p.D946Ifs*14). This variant is considered to be rare based on population cohorts in the Genome Aggregation Database (gnomAD). This alteration is expected to result in loss of function by premature protein truncation or nonsense-mediated mRNA decay. As such, this alteration is interpreted as a disease-causing mutation.

Consortium of Investigators of Modifiers of BRCA1/2 (CIMBA), c/o University of Cambridge
Classification: Pathogenic for Breast-ovarian cancer, familial, susceptibility to, 2. Last evaluated: 2015-10-02. Review status: criteria provided, single submitter. Criteria: CIMBA Mutation Classification guidelines May 2016. Collection method: clinical testing. Allele origin: germline. Not counted in ClinVar's aggregate classification.

Literature cited by the submitters: PubMed 20104584 (cited by Labcorp Genetics (formerly Invitae), Labcorp); PubMed 31528241 (cited by Labcorp Genetics (formerly Invitae), Labcorp); PubMed 32868316 (cited by Labcorp Genetics (formerly Invitae), Labcorp); PubMed 11754111 (cited by Ambry Genetics).